The following is an entry in ClinVar:

ClinVar aggregate classification (germline): Uncertain significance. Review status: criteria provided, multiple submitters, no conflicts (2 of 4 stars). 2 submissions from 2 submitters: Uncertain significance (2). Last evaluated 2025-09-15.

Conditions:
Hereditary cancer-predisposing syndrome. Also called: Hereditary neoplastic syndrome; Neoplastic Syndromes, Hereditary; Hereditary Cancer Syndrome; Tumor predisposition. Identifiers: Orphanet 140162, MedGen C0027672, MeSH D009386, MONDO:0015356.

Allele frequency attached by ClinVar (database versions not stated): gnomAD exomes below 0.00001.
gnomAD v4.1: 1 of 1,613,856 alleles (0.000062%); highest among the groups gnomAD compares: Non-Finnish European, 0.000085%; no homozygotes.

Submissions (2):

Ambry Genetics
Classification: Uncertain significance for Hereditary cancer-predisposing syndrome. Last evaluated: 2025-09-15. Review status: criteria provided, single submitter. Criteria: Ambry Variant Classification Scheme 2023. Collection method: clinical testing. Allele origin: germline.
Comment: The p.N374S variant (also known as c.1121A>G), located in coding exon 7 of the MSH3 gene, results from an A to G substitution at nucleotide position 1121. The asparagine at codon 374 is replaced by serine, an amino acid with highly similar properties. This amino acid position is not well conserved in available vertebrate species. In addition, this alteration is predicted to be tolerated by in silico analysis. Since supporting evidence is limited at this time, the clinical significance of this alteration remains unclear.

Labcorp Genetics (formerly Invitae), Labcorp
Classification: Uncertain significance. Last evaluated: 2024-01-12. Review status: criteria provided, single submitter. Criteria: Invitae Variant Classification Sherloc (09022015). Collection method: clinical testing. Allele origin: germline.
Comment: This sequence change replaces asparagine, which is neutral and polar, with serine, which is neutral and polar, at codon 374 of the MSH3 protein (p.Asn374Ser). This variant is not present in population databases (gnomAD no frequency). This variant has not been reported in the literature in individuals affected with MSH3-related conditions. ClinVar contains an entry for this variant (Variation ID: 965284). An algorithm developed to predict the effect of missense changes on protein structure and function (PolyPhen-2) suggests that this variant is likely to be tolerated. Algorithms developed to predict the effect of sequence changes on RNA splicing suggest that this variant may disrupt the consensus splice site. In summary, the available evidence is currently insufficient to determine the role of this variant in disease. Therefore, it has been classified as a Variant of Uncertain Significance.

NM_002439.5(MSH3):c.1121A>G (p.Asn374Ser)

Gene: MSH3 (mutS homolog 3; plus strand). Cytogenetic location: 5q14.1.
Variant type: single nucleotide variant.
Coding change: c.1121A>G on transcript NM_002439.5 (MANE Select); coding-DNA position 1121, A replaced by G.
Protein change: p.Asn374Ser; replaces asparagine 374 with serine.
Molecular consequence: missense variant.
Genome position (GRCh38, 1-based): chr5:80,675,076, A>G. VCF-style: chr5-80675076-A-G. GRCh37 (hg19) VCF-style: chr5-79970895-A-G.
Other names: short protein forms N374S.
Identifiers: ClinVar variation 965284 (VCV000965284.13), dbSNP rs1749809431, ClinGen allele CA360268169.